The following is an entry in ClinVar:

ClinVar aggregate classification (germline): Pathogenic/Likely pathogenic. Review status: criteria provided, multiple submitters, no conflicts (2 of 4 stars). 6 submissions from 6 submitters: Pathogenic (3); Likely pathogenic (3). Last evaluated 2026-11-12.

Conditions:
Neurofibromatosis, type 1 (NF1). Also called: NEUROFIBROMATOSIS, TYPE I, SOMATIC; Peripheral type neurofibromatosis; VON RECKLINGHAUSEN DISEASE; Neurofibromatosis, type I. Identifiers: Orphanet 636, MedGen C0027831, MONDO:0018975, OMIM 162200. Disease mechanism: loss of function.

Submissions (6):

Institute of Medical Genetics and Applied Genomics, University Hospital Tübingen
Classification: Likely pathogenic for Neurofibromatosis, type 1. Last evaluated: 2026-11-12. Review status: criteria provided, single submitter. Criteria: ACMG Guidelines, 2015. Collection method: clinical testing. Allele origin: germline. Inheritance: Autosomal dominant inheritance. Affected: yes.

Labcorp Genetics (formerly Invitae), Labcorp
Classification: Pathogenic for Neurofibromatosis, type 1. Last evaluated: 2024-12-18. Review status: criteria provided, single submitter. Criteria: Invitae Variant Classification Sherloc (09022015). Collection method: clinical testing. Allele origin: germline.
Comment: This sequence change replaces leucine, which is neutral and non-polar, with arginine, which is basic and polar, at codon 1339 of the NF1 protein (p.Leu1339Arg). This variant is not present in population databases (gnomAD no frequency). This missense change has been observed in individual(s) with neurofibromatosis type 1 (PMID: 27322474). In at least one individual the variant was observed to be de novo. ClinVar contains an entry for this variant (Variation ID: 872180). Invitae Evidence Modeling of protein sequence and biophysical properties (such as structural, functional, and spatial information, amino acid conservation, physicochemical variation, residue mobility, and thermodynamic stability) indicates that this missense variant is expected to disrupt NF1 protein function with a positive predictive value of 95%. For these reasons, this variant has been classified as Pathogenic.

NHS Central & South Genomic Laboratory Hub
Classification: Likely pathogenic for Neurofibromatosis type 1. Last evaluated: 2024-07-01. Review status: criteria provided, single submitter. Criteria: ACMG Guidelines, 2015. Collection method: clinical testing. Allele origin: germline. Affected: yes.

GeneDx
Classification: Likely pathogenic. Last evaluated: 2023-07-14. Review status: criteria provided, single submitter. Criteria: GeneDx Variant Classification Process June 2021. Collection method: clinical testing. Allele origin: germline. Affected: yes.
Comment: Not observed at significant frequency in large population cohorts (gnomAD); In silico analysis supports that this missense variant has a deleterious effect on protein structure/function; This variant is associated with the following publications: (PMID: 25486365, 22807134, 27322474)

Genome-Nilou Lab
Classification: Pathogenic for Neurofibromatosis, type 1. Last evaluated: 2022-03-15. Review status: criteria provided, single submitter. Criteria: ACMG Guidelines, 2015. Collection method: clinical testing. Allele origin: germline. Affected: no.

CeGaT Center for Human Genetics Tuebingen
Classification: Pathogenic. Last evaluated: 2018-01-01. Review status: criteria provided, single submitter. Criteria: CeGaT Center For Human Genetics Tuebingen Variant Classification Criteria Version 2. Collection method: clinical testing. Allele origin: germline. Affected: yes. Observed: 1 variant allele.

Literature cited by the submitters: PubMed 27322474 (cited by Labcorp Genetics (formerly Invitae), Labcorp).

NM_001042492.3(NF1):c.4016T>G (p.Leu1339Arg)

Gene: NF1 (neurofibromin 1; plus strand). Cytogenetic location: 17q11.2.
Variant type: single nucleotide variant.
Coding change: c.4016T>G on transcript NM_001042492.3 (MANE Select); coding-DNA position 4016, T replaced by G.
Protein change: p.Leu1339Arg; replaces leucine 1339 with arginine.
Molecular consequence: missense variant.
Genome position (GRCh38, 1-based): chr17:31,249,025, T>G. VCF-style: chr17-31249025-T-G. GRCh37 (hg19) VCF-style: chr17-29576043-T-G.
Other names: c.4016T>G, p.Leu1339Arg (NM_000267.4); short protein forms L1339R.
Identifiers: ClinVar variation 872180 (VCV000872180.50), dbSNP rs1567858306, ClinGen allele CA398994897.